The following is an entry in ClinVar:

ClinVar aggregate classification (germline): Uncertain significance (1 of 4 stars; one submission).

Allele frequency attached by ClinVar (database versions not stated): ExAC 0.00001; gnomAD exomes 0.00001.
gnomAD v4.1: 7 of 1,613,960 alleles (0.00043%); highest among the groups gnomAD compares: Non-Finnish European, 0.00025%; no homozygotes.

Submission:

Labcorp Genetics (formerly Invitae), Labcorp
Classification: Uncertain significance. Last evaluated: 2021-04-04. Review status: criteria provided, single submitter. Criteria: Invitae Variant Classification Sherloc (09022015). Collection method: clinical testing. Allele origin: germline.
Comment: In summary, the available evidence is currently insufficient to determine the role of this variant in disease. Therefore, it has been classified as a Variant of Uncertain Significance. Algorithms developed to predict the effect of missense changes on protein structure and function are either unavailable or do not agree on the potential impact of this missense change (SIFT: "Deleterious"; PolyPhen-2: "Benign"; Align-GVGD: "Class C15"). This variant has not been reported in the literature in individuals with TNNI3K-related conditions. This variant is present in population databases (rs774239300, ExAC 0.001%). This sequence change replaces serine with arginine at codon 257 of the TNNI3K protein (p.Ser257Arg). The serine residue is highly conserved and there is a moderate physicochemical difference between serine and arginine.

NM_015978.3(TNNI3K):c.771T>A (p.Ser257Arg)

Genes: FPGT-TNNI3K (FPGT-TNNI3K readthrough; plus strand), TNNI3K (TNNI3 interacting kinase; plus strand). Cytogenetic location: 1p31.1.
Variant type: single nucleotide variant.
Coding change: c.771T>A on transcript NM_015978.3 (MANE Select); coding-DNA position 771, T replaced by A.
Protein change: p.Ser257Arg; replaces serine 257 with arginine.
Molecular consequence: missense variant.
Genome position (GRCh38, 1-based): chr1:74,342,930, T>A. VCF-style: chr1-74342930-T-A. GRCh37 (hg19) VCF-style: chr1-74808614-T-A.
Other names: c.1074T>A, p.Ser358Arg (NM_001112808.3, NM_001199327.2); short protein forms S358R, S257R.
Identifiers: ClinVar variation 1484471 (VCV001484471.8), dbSNP rs774239300, ClinGen allele CA909006.